The following is an entry in ClinVar:

NM_172069.4(PLEKHH2):c.155C>G (p.Ala52Gly)

Gene: PLEKHH2 (pleckstrin homology, MyTH4 and FERM domain containing H2; plus strand). Cytogenetic location: 2p21.
Variant type: single nucleotide variant.
Coding change: c.155C>G on transcript NM_172069.4 (MANE Select); coding-DNA position 155, C replaced by G.
Protein change: p.Ala52Gly; replaces alanine 52 with glycine.
Molecular consequence: missense variant.
Genome position (GRCh38, 1-based): chr2:43,678,894, C>G. VCF-style: chr2-43678894-C-G. GRCh37 (hg19) VCF-style: chr2-43906033-C-G.
Other names: short protein forms A52G.
Identifiers: ClinVar variation 1710365 (VCV001710365.3), dbSNP rs1282196693, ClinGen allele CA346646195.

ClinVar aggregate classification (germline): Uncertain significance (1 of 4 stars; one submission).

Allele frequency attached by ClinVar (database versions not stated): TOPMed 0.00001.

Submission:

Greenwood Genetic Center Diagnostic Laboratories, Greenwood Genetic Center
Classification: Uncertain significance. Last evaluated: 2022-08-19. Review status: criteria provided, single submitter. Criteria: ACMG Guidelines, 2015. Collection method: clinical testing. Allele origin: germline. Affected: yes.
Comment: Gene of Uncertain Significance